The following is an entry in ClinVar:

NM_001399.5(EDA):c.1117A>G (p.Met373Val)

Gene: EDA (ectodysplasin A; plus strand). Cytogenetic location: Xq13.1.
Variant type: single nucleotide variant.
Coding change: c.1117A>G on transcript NM_001399.5 (MANE Select); coding-DNA position 1117, A replaced by G.
Protein change: p.Met373Val; replaces methionine 373 with valine.
Molecular consequence: missense variant.
Genome position (GRCh38, 1-based): chrX:70,035,550, A>G. VCF-style: chrX-70035550-A-G. GRCh37 (hg19) VCF-style: chrX-69255400-A-G.
Other names: c.1111A>G, p.Met371Val (NM_001005609.2); c.1102A>G, p.Met368Val (NM_001005612.3); short protein forms M368V, M371V, M373V.
Identifiers: ClinVar variation 3907400 (VCV003907400.2).

ClinVar aggregate classification (germline): Conflicting classifications of pathogenicity. Review status: criteria provided, conflicting classifications (1 of 4 stars). 2 submissions from 2 submitters: Likely pathogenic (1); Uncertain significance (1). Last evaluated 2025-06-04.

Conditions:
EDA-related disorder. Also called: EDA-related condition; EDA-related disorders.

Submissions (2):

Women's Health and Genetics/Laboratory Corporation of America, LabCorp
Classification: Uncertain significance. Last evaluated: 2025-06-04. Review status: criteria provided, single submitter. Criteria: LabCorp Variant Classification Summary - May 2015. Collection method: clinical testing. Allele origin: germline.
Comment: Variant summary: EDA c.1117A>G (p.Met373Val) results in a conservative amino acid change in the encoded protein sequence. Algorithms developed to predict the effect of missense changes on protein structure and function are either unavailable or do not agree on the potential impact of this missense change. The variant was absent in 182228 control chromosomes. The available data on variant occurrences in the general population are insufficient to allow any conclusion about variant significance. To our knowledge, no occurrence of c.1117A>G in individuals affected with Hypohidrotic Ectodermal Dysplasia and no experimental evidence demonstrating its impact on protein function have been reported. No submitters have cited clinical-significance assessments for this variant to ClinVar. Based on the evidence outlined above, the variant was classified as uncertain significance.

Blueprint Genetics
Classification: Likely pathogenic for EDA-related disorders. Last evaluated: 2018-04-17. Review status: criteria provided, single submitter. Criteria: ACMG Guidelines, 2015. Collection method: clinical testing. Allele origin: germline. Affected: yes. Observed: 1 variant allele.